The following is an entry in ClinVar:

ClinVar aggregate classification (germline): Uncertain significance (1 of 4 stars; one submission).

Conditions:
Familial cancer of breast. Also called: Hereditary breast cancer; hereditary breast carcinoma; BREAST CANCER, FAMILIAL. Identifiers: Orphanet 227535, MedGen C0346153, MONDO:0016419, OMIM 114480. Disease mechanism: loss of function.

Submission:

Labcorp Genetics (formerly Invitae), Labcorp
Classification: Uncertain significance for Familial cancer of breast. Last evaluated: 2020-05-23. Review status: criteria provided, single submitter. Criteria: Invitae Variant Classification Sherloc (09022015). Collection method: clinical testing. Allele origin: germline.
Comment: In summary, the available evidence is currently insufficient to determine the role of this variant in disease. Therefore, it has been classified as a Variant of Uncertain Significance. Experimental studies and prediction algorithms are not available or were not evaluated, and the functional significance of this variant is currently unknown. This variant has not been reported in the literature in individuals with BARD1-related conditions. This variant is not present in population databases (ExAC no frequency). This variant, c.462_470del, results in the deletion of 3 amino acid(s) of the BARD1 protein (p.Arg155_Val157del), but otherwise preserves the integrity of the reading frame.

NM_000465.4(BARD1):c.462_470del (p.Arg155_Val157del)

Gene: BARD1 (BRCA1 associated RING domain 1; minus strand). Cytogenetic location: 2q35.
Variant type: Deletion.
Coding change: c.462_470del on transcript NM_000465.4 (MANE Select); coding-DNA positions 462 to 470, 9 bases deleted (CAGATATGT; older notation c.462_470delCAGATATGT).
Protein change: p.Arg155_Val157del.
Molecular consequence: inframe deletion. On other transcripts: non-coding transcript variant (2), intron variant (3).
Genome position (GRCh38, 1-based): chr2:214,781,404-214,781,412, ACATATCTG deleted on the plus strand (CAGATATGT on the coding strand, the reverse complement: BARD1 is on the minus strand); deleting any 9 consecutive bases within chr2:214,781,404-214,781,414 gives the same sequence; the c. name uses the placement nearest the transcript's 3' end. VCF-style (leftmost placement, unchanged base first): chr2-214781403-AACATATCTG-A. GRCh37 (hg19) VCF-style: chr2-215646127-AACATATCTG-A.
Other names: c.405_413del, p.Arg136_Val138del (NM_001282543.2); c.158+28000_158+28008del (NM_001282548.2); c.215+15649_215+15657del (NM_001282545.2); c.364+10885_364+10893del (NM_001282549.2).
Identifiers: ClinVar variation 1003622 (VCV001003622.9), dbSNP rs1695026394, ClinGen allele CA1327071498.